The following is an entry in ClinVar:

ClinVar aggregate classification (germline): Likely benign (1 of 4 stars; one submission).

gnomAD v4.1: 13 of 1,610,478 alleles (0.00081%); highest among the groups gnomAD compares: African/African-American, 0.012%; no homozygotes.

Submission:

CeGaT Center for Human Genetics Tuebingen
Classification: Likely benign. Last evaluated: 2024-10-01. Review status: criteria provided, single submitter. Criteria: CeGaT Center For Human Genetics Tuebingen Variant Classification Criteria Version 2. Collection method: clinical testing. Allele origin: germline. Affected: yes. Observed: 1 variant allele.
Comment: AHNAK2: BP4, BP7

NM_138420.4(AHNAK2):c.2901T>C (p.Asp967=)

Gene: AHNAK2 (AHNAK nucleoprotein 2; minus strand). Cytogenetic location: 14q32.33.
Variant type: single nucleotide variant.
Coding change: c.2901T>C on transcript NM_138420.4 (MANE Select); coding-DNA position 2901, T replaced by C.
Protein change: p.Asp967=; no amino-acid change (aspartic acid 967 retained).
Molecular consequence: synonymous variant.
Genome position (GRCh38, 1-based): chr14:104,952,550, A>G on the plus strand (T>C on the coding strand, the complement: AHNAK2 is on the minus strand). VCF-style: chr14-104952550-A-G. GRCh37 (hg19) VCF-style: chr14-105418887-A-G.
Other names: c.2601T>C, p.Asp867= (NM_001350929.2).
Identifiers: ClinVar variation 3388763 (VCV003388763.14).